The following is an entry in ClinVar:

ClinVar aggregate classification (germline): Uncertain significance (1 of 4 stars; one submission).

Conditions:
Holoprosencephaly 2 (HPE2). Identifiers: Orphanet 2162, MedGen C1834877, MONDO:0007999, OMIM 157170.

Allele frequency attached by ClinVar (database versions not stated): 1000 Genomes Project 30x 0.00031.
gnomAD v4.1: 2 of 1,589,242 alleles (0.00013%); highest among the groups gnomAD compares: Admixed American, 0.0034%; no homozygotes.

Submission:

Labcorp Genetics (formerly Invitae), Labcorp
Classification: Uncertain significance for Holoprosencephaly 2. Last evaluated: 2023-03-27. Review status: criteria provided, single submitter. Criteria: Invitae Variant Classification Sherloc (09022015). Collection method: clinical testing. Allele origin: germline.
Comment: In summary, the available evidence is currently insufficient to determine the role of this variant in disease. Therefore, it has been classified as a Variant of Uncertain Significance. An algorithm developed to predict the effect of missense changes on protein structure and function (PolyPhen-2) suggests that this variant is likely to be disruptive. ClinVar contains an entry for this variant (Variation ID: 836725). This missense change has been observed in at least one individual who was not affected with SIX3-related conditions (Invitae). This variant has not been reported in the literature in individuals affected with SIX3-related conditions. The frequency data for this variant in the population databases is considered unreliable, as metrics indicate poor data quality at this position in the gnomAD database. This sequence change replaces leucine, which is neutral and non-polar, with phenylalanine, which is neutral and non-polar, at codon 321 of the SIX3 protein (p.Leu321Phe).

NM_005413.4(SIX3):c.961C>T (p.Leu321Phe)

Gene: SIX3 (SIX homeobox 3; plus strand). Cytogenetic location: 2p21.
Variant type: single nucleotide variant.
Coding change: c.961C>T on transcript NM_005413.4 (MANE Select); coding-DNA position 961, C replaced by T.
Protein change: p.Leu321Phe; replaces leucine 321 with phenylalanine.
Molecular consequence: missense variant.
Genome position (GRCh38, 1-based): chr2:44,944,722, C>T. VCF-style: chr2-44944722-C-T. GRCh37 (hg19) VCF-style: chr2-45171861-C-T.
Other names: short protein forms L321F.
Identifiers: ClinVar variation 836725 (VCV000836725.10), dbSNP rs199795275, ClinGen allele CA1642421.